The following is an entry in ClinVar:

NM_001148.6(ANK2):c.118_186+175delinsGAGCTAATGTTGCTGAAAAATTAGCTCC

Gene: ANK2 (ankyrin 2; plus strand). Cytogenetic location: 4q25.
Variant type: Indel.
Coding change: c.118_186+175delinsGAGCTAATGTTGCTGAAAAATTAGCTCC on transcript NM_001148.6 (MANE Select); coding-DNA position 118 through 175 bases into the intron after coding-DNA position 186, the reference bases replaced by GAGCTAATGTTGCTGAAAAATTAGCTCC.
Molecular consequence: splice donor variant.
Genome position (GRCh38, 1-based): chr4:113,174,449-113,174,692, 244 bases replaced. GRCh37 (hg19): chr4:114,095,605-114,095,848.
Other names: c.106_174+175delinsGAGCTAATGTTGCTGAAAAATTAGCTCC (NM_001386186.2, NM_001386148.2, NM_001354269.3 and 1 more transcripts); c.100_168+175delinsGAGCTAATGTTGCTGAAAAATTAGCTCC (NM_001386147.1, NM_001386160.1, NM_001354261.2); c.55_123+175delinsGAGCTAATGTTGCTGAAAAATTAGCTCC (NM_001354254.2, NM_001354239.2, NM_001354252.2 and 33 more transcripts); c.163_231+175delinsGAGCTAATGTTGCTGAAAAATTAGCTCC (NM_001354241.2, NM_001386152.1, NM_001354237.2 and 5 more transcripts); c.118_186+175delinsGAGCTAATGTTGCTGAAAAATTAGCTCC (NM_001354225.2, NM_001354235.2, NM_001354246.2 and 9 more transcripts); c.169_237+175delinsGAGCTAATGTTGCTGAAAAATTAGCTCC (NM_001386174.1, NM_001386175.1).
Identifiers: ClinVar variation 2121821 (VCV002121821.4), dbSNP rs2484401756, ClinGen allele CA2580071372.

ClinVar aggregate classification (germline): Likely pathogenic (1 of 4 stars; one submission).

Conditions:
Long QT syndrome (LQTS). Identifiers: MedGen C0023976, MeSH D008133, MONDO:0002442. Disease mechanism: loss of function. Inheritance: Various modes of inheritance.

Submission:

Labcorp Genetics (formerly Invitae), Labcorp
Classification: Likely pathogenic for Long QT syndrome. Last evaluated: 2024-04-17. Review status: criteria provided, single submitter. Criteria: Invitae Variant Classification Sherloc (09022015). Collection method: clinical testing. Allele origin: germline.
Comment: This variant results in the deletion of part of exon 2 (c.118_186+175delins28) of the ANK2 gene. It is expected to disrupt RNA splicing. Variants that disrupt the donor or acceptor splice site typically lead to a loss of protein function (PMID: 16199547), and loss-of-function variants in ANK2 are known to be pathogenic (PMID: 37195288). This variant is not present in population databases (gnomAD no frequency). This variant has not been reported in the literature in individuals affected with ANK2-related conditions. ClinVar contains an entry for this variant (Variation ID: 2121821). In summary, the currently available evidence indicates that the variant is pathogenic, but additional data are needed to prove that conclusively. Therefore, this variant has been classified as Likely Pathogenic.

Literature cited by the submitters: PubMed 16199547; PubMed 37195288.